The following is an entry in ClinVar:

NM_005529.7(HSPG2):c.4040A>C (p.His1347Pro)

Gene: HSPG2 (heparan sulfate proteoglycan 2; minus strand). Cytogenetic location: 1p36.12.
Variant type: single nucleotide variant.
Coding change: c.4040A>C on transcript NM_005529.7 (MANE Select); coding-DNA position 4040, A replaced by C.
Protein change: p.His1347Pro; replaces histidine 1347 with proline.
Molecular consequence: missense variant.
Genome position (GRCh38, 1-based): chr1:21,872,367, T>G on the plus strand (A>C on the coding strand, the complement: HSPG2 is on the minus strand). VCF-style: chr1-21872367-T-G. GRCh37 (hg19) VCF-style: chr1-22198860-T-G.
Other names: c.4043A>C, p.His1348Pro (NM_001291860.2); short protein forms H1347P, H1348P.
Identifiers: ClinVar variation 1029967 (VCV001029967.1), dbSNP rs1234473043, ClinGen allele CA338958752.
Genomic context (GRCh38, chr1:21,872,367, plus strand): 5'-AGGCGGCTGTTTCGCTGTGGGTTCACCAGGGCAAAGCCTTGGAAGTCCCCAGGGGCAAAG[T>G]GGGTGGAGATCTGGCAGGGGAAAAAGGAGGGGGCGTCAGCCTGAGCACCGGGGTGCCTTG-3'
Protein context (NP_005520.4, residues 1337-1357): SAYTRHLIST[His1347Pro]FAPGDFQGFA

ClinVar aggregate classification (germline): Uncertain significance (1 of 4 stars; one submission).

Conditions:
Lethal Kniest-like syndrome (DDSH). Also called: Dyssegmental Dysplasia. Identifiers: Orphanet 1865, MedGen C1857100, MONDO:0009140, OMIM 224410.

Allele frequency attached by ClinVar (database versions not stated): gnomAD 0.00001.
gnomAD v4.1: 2 of 1,570,714 alleles (0.00013%); highest among the groups gnomAD compares: African/African-American, 0.0027%; no homozygotes.

Submission:

Baylor Genetics
Classification: Uncertain significance for Lethal Kniest-like syndrome. Last evaluated: 2019-03-28. Review status: criteria provided, single submitter. Criteria: ACMG Guidelines, 2015. Collection method: clinical testing. Allele origin: paternal. Affected: yes.
Comment: This variant was determined to be of uncertain significance according to ACMG Guidelines, 2015 [PMID:25741868].